The following is an entry in ClinVar:

ClinVar aggregate classification (germline): Benign/Likely benign. Review status: criteria provided, multiple submitters, no conflicts (2 of 4 stars). 6 submissions from 6 submitters: Benign (1); Likely benign (5). Last evaluated 2026-01-06.

Conditions:
Cardiovascular phenotype. Identifiers: MedGen CN230736.
Catecholaminergic polymorphic ventricular tachycardia (CVPT). Also called: Catecholamine-induced polymorphic ventricular tachycardia. Identifiers: Orphanet 3286, MedGen C5574922, MONDO:0017990.
Catecholaminergic polymorphic ventricular tachycardia 1. Also called: RYR2-Related Catecholaminergic Polymorphic Ventricular Tachycardia; VENTRICULAR TACHYCARDIA, CATECHOLAMINERGIC POLYMORPHIC, 1, WITH OR WITHOUT ATRIAL DYSFUNCTION AND/OR DILATED CARDIOMYOPATHY; VENTRICULAR TACHYCARDIA, STRESS-INDUCED POLYMORPHIC 1. Identifiers: Orphanet 3286, MedGen C1631597, MONDO:0011484, OMIM 604772.
Cardiomyopathy (CMYO). Also called: Cardiomyopathies. Identifiers: Orphanet 167848, MedGen C0878544, MONDO:0004994, HP:0001638. Inheritance: Various modes of inheritance.

Allele frequency attached by ClinVar (database versions not stated): ExAC 0.00005; gnomAD exomes 0.00005 and 0.00008; TOPMed 0.00009; gnomAD 0.00013 and 0.00014.
gnomAD v4.1: 131 of 1,542,258 alleles (0.0085%); highest among the groups gnomAD compares: Non-Finnish European, 0.011%; no homozygotes.

Submissions (6):

Labcorp Genetics (formerly Invitae), Labcorp
Classification: Likely benign for Catecholaminergic polymorphic ventricular tachycardia 1. Last evaluated: 2026-01-06. Review status: criteria provided, single submitter. Criteria: Invitae Variant Classification Sherloc (09022015). Collection method: clinical testing. Allele origin: germline.

All of Us Research Program, National Institutes of Health
Classification: Likely benign for Catecholaminergic polymorphic ventricular tachycardia. Last evaluated: 2024-02-05. Review status: criteria provided, single submitter. Criteria: ACMG Guidelines, 2015. Collection method: clinical testing. Allele origin: germline. Inheritance: Autosomal dominant inheritance. Observed: 23 variant alleles, 23 heterozygotes.
Comment: This study involves interpretation of variants in research participants for the purpose of population health screening. Participant phenotype was not available at the time of variant classification. Additional details can be found in publication PMID: 35346344, PMCID: PMC8962531

Women's Health and Genetics/Laboratory Corporation of America, LabCorp
Classification: Likely benign. Last evaluated: 2023-07-16. Review status: criteria provided, single submitter. Criteria: LabCorp Variant Classification Summary - May 2015. Collection method: clinical testing. Allele origin: germline.

Color Diagnostics, LLC DBA Color Health
Classification: Likely benign for Cardiomyopathy. Last evaluated: 2018-10-21. Review status: criteria provided, single submitter. Criteria: ACMG Guidelines, 2015. Collection method: clinical testing. Allele origin: germline.

Ambry Genetics
Classification: Likely benign for Cardiovascular phenotype. Last evaluated: 2015-12-31. Review status: criteria provided, single submitter. Criteria: Ambry Variant Classification Scheme 2023. Collection method: clinical testing. Allele origin: germline.

GeneDx
Classification: Benign. Last evaluated: 2014-10-09. Review status: criteria provided, single submitter. Criteria: GeneDx Variant Classification (06012015). Collection method: clinical testing. Allele origin: germline. Affected: yes.
Comment: This variant is considered likely benign or benign based on one or more of the following criteria: it is a conservative change, it occurs at a poorly conserved position in the protein, it is predicted to be benign by multiple in silico algorithms, and/or has population frequency not consistent with disease.

NM_001035.3(RYR2):c.8367T>C (p.Ile2789=)

Gene: RYR2 (ryanodine receptor 2; plus strand). Cytogenetic location: 1q43.
Variant type: single nucleotide variant.
Coding change: c.8367T>C on transcript NM_001035.3 (MANE Select); coding-DNA position 8367, T replaced by C.
Protein change: p.Ile2789=; no amino-acid change (isoleucine 2789 retained).
Molecular consequence: synonymous variant.
Genome position (GRCh38, 1-based): chr1:237,660,878, T>C. VCF-style: chr1-237660878-T-C. GRCh37 (hg19) VCF-style: chr1-237824178-T-C.
Other names: p.I2789I:ATT>ATC; c.8367T>C, p.Ile2789= (LRG_402t1).
Identifiers: ClinVar variation 201178 (VCV000201178.32), dbSNP rs563219502, ClinGen allele CA010958.